The following is an entry in ClinVar:

ClinVar aggregate classification (germline): Uncertain significance. Review status: criteria provided, multiple submitters, no conflicts (2 of 4 stars). 2 submissions from 2 submitters: Uncertain significance (2). Last evaluated 2023-02-24.

Conditions:
RYR1-related disorder. Also called: RYR1-related disorders; RYR1-related condition. Identifiers: MedGen CN239331.
Malignant hyperthermia, susceptibility to, 1 (MHS1). Also called: RYR1-Related Malignant Hyperthermia Susceptibility; Malignant hyperthermia suceptibility 1; Anesthesia related hyperthermia; Malignant hyperpyrexia; Fulminating hyperpyrexia; Pharmacogenic myopathy. Identifiers: Orphanet 423, MedGen C2930980, MONDO:0007783, OMIM 145600.

gnomAD v4.1: 7 of 1,611,366 alleles (0.00043%); highest among the groups gnomAD compares: Non-Finnish European, 0.00025%; no homozygotes.

Submissions (2):

All of Us Research Program, National Institutes of Health
Classification: Uncertain significance for Malignant hyperthermia, susceptibility to, 1. Last evaluated: 2023-02-24. Review status: criteria provided, single submitter. Criteria: ACMG Guidelines, 2015. Collection method: clinical testing. Allele origin: germline. Inheritance: Autosomal dominant inheritance. Observed: 1 variant allele, 1 heterozygote.
Comment: This missense variant replaces aspartic acid with glutamic acid at codon 2629 of the RYR1 protein. Computational prediction is inconclusive regarding the impact of this variant on protein structure and function (internally defined REVEL score threshold 0.5 < inconclusive < 0.7, PMID: 27666373). To our knowledge, functional studies have not been reported for this variant. This variant has not been reported in individuals affected with RYR1-related disorders in the literature. This variant has been identified in 2/280838 chromosomes in the general population by the Genome Aggregation Database (gnomAD). The available evidence is insufficient to determine the role of this variant in disease conclusively. Therefore, this variant is classified as a Variant of Uncertain Significance.

This study involves interpretation of variants in research participants for the purpose of population health screening. Participant phenotype was not available at the time of variant classification. Additional details can be found in publication PMID: 35346344, PMCID: PMC8962531

Labcorp Genetics (formerly Invitae), Labcorp
Classification: Uncertain significance for RYR1-related disorder. Last evaluated: 2021-12-30. Review status: criteria provided, single submitter. Criteria: Invitae Variant Classification Sherloc (09022015). Collection method: clinical testing. Allele origin: germline.
Comment: This variant has not been reported in the literature in individuals affected with RYR1-related conditions. In summary, the available evidence is currently insufficient to determine the role of this variant in disease. Therefore, it has been classified as a Variant of Uncertain Significance. Algorithms developed to predict the effect of sequence changes on RNA splicing suggest that this variant may create or strengthen a splice site. Algorithms developed to predict the effect of missense changes on protein structure and function (SIFT, PolyPhen-2, Align-GVGD) all suggest that this variant is likely to be tolerated. This variant is present in population databases (rs759821097, gnomAD 0.008%). This sequence change replaces aspartic acid, which is acidic and polar, with glutamic acid, which is acidic and polar, at codon 2629 of the RYR1 protein (p.Asp2629Glu).

NM_000540.3(RYR1):c.7887C>G (p.Asp2629Glu)

Gene: RYR1 (ryanodine receptor 1; plus strand). Cytogenetic location: 19q13.2.
Variant type: single nucleotide variant.
Coding change: c.7887C>G on transcript NM_000540.3 (MANE Select); coding-DNA position 7887, C replaced by G.
Protein change: p.Asp2629Glu; replaces aspartic acid 2629 with glutamic acid.
Molecular consequence: missense variant.
Genome position (GRCh38, 1-based): chr19:38,502,931, C>G. VCF-style: chr19-38502931-C-G. GRCh37 (hg19) VCF-style: chr19-38993571-C-G.
Other names: c.7887C>G, p.Asp2629Glu (NM_001042723.2); short protein forms D2629E.
Identifiers: ClinVar variation 2195006 (VCV002195006.5), dbSNP rs759821097, ClinGen allele CA070983.